The following is an entry in ClinVar:

NM_182641.4(BPTF):c.4976C>T (p.Thr1659Met)

Gene: BPTF (bromodomain PHD finger transcription factor; plus strand). Cytogenetic location: 17q24.2.
Variant type: single nucleotide variant.
Coding change: c.4976C>T on transcript NM_182641.4 (MANE Select); coding-DNA position 4976, C replaced by T.
Protein change: p.Thr1659Met; replaces threonine 1659 with methionine.
Molecular consequence: missense variant.
Genome position (GRCh38, 1-based): chr17:67,912,860, C>T. VCF-style: chr17-67912860-C-T. GRCh37 (hg19) VCF-style: chr17-65908976-C-T.
Other names: c.5354C>T, p.Thr1785Met (NM_004459.7); short protein forms T1659M, T1785M.
Identifiers: ClinVar variation 3029770 (VCV003029770.3), dbSNP rs202095865, ClinGen allele CA8725890.

ClinVar aggregate classification (germline): Likely benign. Review status: criteria provided, single submitter (1 of 4 stars). 2 submissions from 2 submitters: Likely benign (1). 1 of the submissions does not count toward it. Last evaluated 2024-03-18.

Conditions:
Inborn genetic diseases. Identifiers: MedGen C0950123, MeSH D030342.
BPTF-related disorder. Also called: BPTF-related condition.

Allele frequency attached by ClinVar (database versions not stated): ExAC 0.00006; 1000 Genomes Project 30x 0.00016; 1000 Genomes Project 0.00020.
gnomAD v4.1: 74 of 1,614,076 alleles (0.0046%); highest among the groups gnomAD compares: East Asian, 0.12%; no homozygotes.

Submissions (2):

Ambry Genetics
Classification: Likely benign for Inborn genetic diseases. Last evaluated: 2024-03-18. Review status: criteria provided, single submitter. Criteria: Ambry Variant Classification Scheme 2023. Collection method: clinical testing. Allele origin: germline.

PreventionGenetics, part of Exact Sciences
Classification: Likely benign for BPTF-related condition. Last evaluated: 2022-04-28. Review status: no assertion criteria provided. Collection method: clinical testing. Allele origin: germline. Not counted in ClinVar's aggregate classification.
Comment: This variant is classified as likely benign based on ACMG/AMP sequence variant interpretation guidelines (Richards et al. 2015 PMID: 25741868, with internal and published modifications).